The following is an entry in ClinVar:

ClinVar aggregate classification (germline): Uncertain significance (1 of 4 stars; one submission).

Conditions:
Cone-rod dystrophy 6 (CORD6). Also called: Cone dystrophy progressive; RETINAL CONE DYSTROPHY 2. Identifiers: Orphanet 1872, MedGen C1866293, MONDO:0011143, OMIM 601777.
Leber congenital amaurosis 1 (LCA1). Also called: Congenital absence of the rods and cones; Leber's congenital tapetoretinal degeneration; Leber's congenital tapetoretinal dysplasia; AMAUROSIS CONGENITA OF LEBER I; RETINAL BLINDNESS, CONGENITAL. Identifiers: Orphanet 65, MedGen C2931258, MONDO:0008764, OMIM 204000.

Allele frequency attached by ClinVar (database versions not stated): gnomAD exomes below 0.00001; ExAC 0.00001.
gnomAD v4.1: 1 of 1,614,116 alleles (0.000062%); highest among the groups gnomAD compares: South Asian, 0.0011%; no homozygotes.

Submission:

Labcorp Genetics (formerly Invitae), Labcorp
Classification: Uncertain significance for Leber congenital amaurosis 1; Cone-rod dystrophy 6. Last evaluated: 2023-01-16. Review status: criteria provided, single submitter. Criteria: Invitae Variant Classification Sherloc (09022015). Collection method: clinical testing. Allele origin: germline.
Comment: In summary, the available evidence is currently insufficient to determine the role of this variant in disease. Therefore, it has been classified as a Variant of Uncertain Significance. Advanced modeling of protein sequence and biophysical properties (such as structural, functional, and spatial information, amino acid conservation, physicochemical variation, residue mobility, and thermodynamic stability) performed at Invitae indicates that this missense variant is not expected to disrupt GUCY2D protein function. This sequence change replaces histidine, which is basic and polar, with arginine, which is basic and polar, at codon 659 of the GUCY2D protein (p.His659Arg). This variant is present in population databases (rs779870173, gnomAD 0.003%). This variant has not been reported in the literature in individuals affected with GUCY2D-related conditions.

NM_000180.4(GUCY2D):c.1976A>G (p.His659Arg)

Gene: GUCY2D (guanylate cyclase 2D, retinal; plus strand). Cytogenetic location: 17p13.1.
Variant type: single nucleotide variant.
Coding change: c.1976A>G on transcript NM_000180.4 (MANE Select); coding-DNA position 1976, A replaced by G.
Protein change: p.His659Arg; replaces histidine 659 with arginine.
Molecular consequence: missense variant.
Genome position (GRCh38, 1-based): chr17:8,012,469, A>G. VCF-style: chr17-8012469-A-G. GRCh37 (hg19) VCF-style: chr17-7915787-A-G.
Other names: short protein forms H659R.
Identifiers: ClinVar variation 2924418 (VCV002924418.3), dbSNP rs779870173, ClinGen allele CA8365960.
Genomic context (GRCh38, chr17:8,012,469, plus strand): 5'-CCAAGCAGGCTGAGGCTGCCTCTTACCCTACCCATTCCAAGGGAATAAGGTATCTGCACC[A>G]TCGAGGCGTGGCTCATGGGCGGCTGAAGTCACGGAACTGCATAGTGGATGGCAGATTCGT-3'
Protein context (NP_000171.1, residues 649-669): DLIKGIRYLH[His659Arg]RGVAHGRLKS